The following is an entry in ClinVar:

NM_006259.3(PRKG2):c.696G>A (p.Gly232=)

Genes: PRKG2 (protein kinase cGMP-dependent 2; minus strand), PRKG2-AS1 (PRKG2 antisense RNA 1; plus strand). Cytogenetic location: 4q21.21.
Variant type: single nucleotide variant.
Coding change: c.696G>A on transcript NM_006259.3 (MANE Select); coding-DNA position 696, G replaced by A.
Protein change: p.Gly232=; no amino-acid change (glycine 232 retained).
Molecular consequence: synonymous variant.
Genome position (GRCh38, 1-based): chr4:81,171,737, C>T on the plus strand (G>A on the coding strand, the complement: PRKG2 is on the minus strand). VCF-style: chr4-81171737-C-T. GRCh37 (hg19) VCF-style: chr4-82092891-C-T.
Other names: c.696G>A, p.Gly232= (NM_001282485.2, NM_001363401.2).
Identifiers: ClinVar variation 3056270 (VCV003056270.2), dbSNP rs778024870, ClinGen allele CA2983903.

ClinVar aggregate classification (germline): Likely benign (0 of 4 stars; one submission).

Conditions:
PRKG2-related disorder. Also called: PRKG2-related condition.

Allele frequency attached by ClinVar (database versions not stated): gnomAD 0.00011; gnomAD exomes 0.00015; TOPMed 0.00039; ExAC 0.00074.
gnomAD v4.1: 233 of 1,611,036 alleles (0.014%); highest among the groups gnomAD compares: Admixed American, 0.39%; 2 homozygotes.

Submission:

PreventionGenetics, part of Exact Sciences
Classification: Likely benign for PRKG2-related condition. Last evaluated: 2019-04-29. Review status: no assertion criteria provided. Collection method: clinical testing. Allele origin: germline.
Comment: This variant is classified as likely benign based on ACMG/AMP sequence variant interpretation guidelines (Richards et al. 2015 PMID: 25741868, with internal and published modifications).